The following is an entry in ClinVar:

ClinVar aggregate classification (germline): Benign (1 of 4 stars; one submission).

Submission:

GeneDx
Classification: Benign. Last evaluated: 2012-10-16. Review status: criteria provided, single submitter. Criteria: GeneDx Variant Classification (06012015). Collection method: clinical testing. Allele origin: germline. Affected: yes.
Comment: This variant is considered likely benign or benign based on one or more of the following criteria: it is a conservative change, it occurs at a poorly conserved position in the protein, it is predicted to be benign by multiple in silico algorithms, and/or has population frequency not consistent with disease.

NM_000891.3(KCNJ2):c.773T>C (p.Ile258Thr)

Gene: KCNJ2 (potassium inwardly rectifying channel subfamily J member 2; plus strand). Cytogenetic location: 17q24.3.
Variant type: single nucleotide variant.
Coding change: c.773T>C on transcript NM_000891.3 (MANE Select); coding-DNA position 773, T replaced by C.
Protein change: p.Ile258Thr; replaces isoleucine 258 with threonine.
Molecular consequence: missense variant.
Genome position (GRCh38, 1-based): chr17:70,175,812, T>C. VCF-style: chr17-70175812-T-C. GRCh37 (hg19) VCF-style: chr17-68171953-T-C.
Other names: p.I258T:ATC>ACC; short protein forms I258T.
Identifiers: ClinVar variation 137985 (VCV000137985.1), dbSNP rs587781007, ClinGen allele CA291736.